The following is an entry in ClinVar:

ClinVar aggregate classification (germline): Uncertain significance (1 of 4 stars; one submission).

Conditions:
Amyotrophic lateral sclerosis type 1 (ALS1). Also called: AMYOTROPHIC LATERAL SCLEROSIS 1, FAMILIAL. Identifiers: Orphanet 803, MedGen C1862939, MONDO:0007103, OMIM 105400.
Neuronopathy, distal hereditary motor, type 7B. Also called: Distal Hereditary Motor Neuronopathy Type 7B (dHMN7B); HMN VIIB; LOWER MOTOR NEURON DISEASE, DYNACTIN TYPE; NEURONOPATHY, DISTAL HEREDITARY MOTOR, AUTOSOMAL DOMINANT 14; NEURONOPATHY, DISTAL HEREDITARY MOTOR, HARDING TYPE VIIB; NEUROPATHY, DISTAL HEREDITARY MOTOR, HARDING TYPE VIIB. Identifiers: Orphanet 139589, MedGen C1843315, MONDO:0011879, OMIM 607641.
Perry syndrome. Also called: PARKINSONISM WITH ALVEOLAR HYPOVENTILATION AND MENTAL DEPRESSION. Identifiers: Orphanet 178509, MedGen C1868594, MONDO:0008201, OMIM 168605.

Allele frequency attached by ClinVar (database versions not stated): gnomAD exomes below 0.00001.
gnomAD v4.1: 2 of 1,614,200 alleles (0.00012%); highest among the groups gnomAD compares: Non-Finnish European, 0.00017%; no homozygotes.

Submission:

Labcorp Genetics (formerly Invitae), Labcorp
Classification: Uncertain significance for Amyotrophic lateral sclerosis type 1; Neuronopathy, distal hereditary motor, type 7B; Perry syndrome. Last evaluated: 2025-08-05. Review status: criteria provided, single submitter. Criteria: Invitae Variant Classification Sherloc (09022015). Collection method: clinical testing. Allele origin: germline.
Comment: This sequence change replaces arginine, which is basic and polar, with cysteine, which is neutral and slightly polar, at codon 768 of the DCTN1 protein (p.Arg768Cys). This variant is present in population databases (no rsID available, gnomAD 0.0009%). This variant has not been reported in the literature in individuals affected with DCTN1-related conditions. ClinVar contains an entry for this variant (Variation ID: 2150457). Invitae Evidence Modeling of protein sequence and biophysical properties (such as structural, functional, and spatial information, amino acid conservation, physicochemical variation, residue mobility, and thermodynamic stability) indicates that this missense variant is not expected to disrupt DCTN1 protein function with a negative predictive value of 95%. In summary, the available evidence is currently insufficient to determine the role of this variant in disease. Therefore, it has been classified as a Variant of Uncertain Significance.

NM_004082.5(DCTN1):c.2302C>T (p.Arg768Cys)

Gene: DCTN1 (dynactin subunit 1; minus strand). Cytogenetic location: 2p13.1.
Variant type: single nucleotide variant.
Coding change: c.2302C>T on transcript NM_004082.5 (MANE Select); coding-DNA position 2302, C replaced by T.
Protein change: p.Arg768Cys; replaces arginine 768 with cysteine.
Molecular consequence: missense variant. On other transcripts: non-coding transcript variant (1).
Genome position (GRCh38, 1-based): chr2:74,367,059, G>A on the plus strand (C>T on the coding strand, the complement: DCTN1 is on the minus strand). VCF-style: chr2-74367059-G-A. GRCh37 (hg19) VCF-style: chr2-74594186-G-A.
Other names: c.2242C>T, p.Arg748Cys (NM_001135040.3); c.1900C>T, p.Arg634Cys (NM_001135041.3, NM_023019.4); c.2191C>T, p.Arg731Cys (NM_001190836.2); c.2281C>T, p.Arg761Cys (NM_001190837.2); c.2251C>T, p.Arg751Cys (NM_001378991.1); c.2233C>T, p.Arg745Cys (NM_001378992.1); short protein forms R761C, R731C, R748C, R634C, R751C, R768C, R745C.
Identifiers: ClinVar variation 2150457 (VCV002150457.4), dbSNP rs1406215076, ClinGen allele CA347348453.